The following is an entry in ClinVar:

NM_005334.3(HCFC1):c.4990C>G (p.Gln1664Glu)

Gene: HCFC1 (host cell factor C1; minus strand). Cytogenetic location: Xq28.
Variant type: single nucleotide variant.
Coding change: c.4990C>G on transcript NM_005334.3 (MANE Select); coding-DNA position 4990, C replaced by G.
Protein change: p.Gln1664Glu; replaces glutamine 1664 with glutamic acid.
Molecular consequence: missense variant.
Genome position (GRCh38, 1-based): chrX:153,952,111, G>C on the plus strand (C>G on the coding strand, the complement: HCFC1 is on the minus strand). VCF-style: chrX-153952111-G-C. GRCh37 (hg19) VCF-style: chrX-153217562-G-C.
Other names: c.5125C>G, p.Gln1709Glu (NM_001410705.1); short protein forms Q1664E, Q1709E.
Identifiers: ClinVar variation 4056511 (VCV004056511.1).
Genomic context (GRCh38, chrX:153,952,111, plus strand): 5'-TGGGTATGGTGGTGGCCTGGCCCTCCTGACCCTCGGCCGACAGGTGCCCCAGCTCCGCCT[G>C]AGTCACGGTTGCTGCTGCCTCGGAGGTGTCCATGGGCTCGCCGGTGCCTGCTCCAGGGTC-3'
Protein context (NP_005325.2, residues 1654-1674): DTSEAAATVT[Gln1664Glu]AELGHLSAEG

ClinVar aggregate classification (germline): Uncertain significance (1 of 4 stars; one submission).

Conditions:
Methylmalonic acidemia with homocystinuria, type cblX (MAHCX). Also called: INTELLECTUAL DEVELOPMENTAL DISORDER, X-LINKED 3. Identifiers: Orphanet 369962, MedGen C0796208, MONDO:0010657, OMIM 309541.

gnomAD v4.1: 4 of 1,145,403 alleles (0.00035%); highest among the groups gnomAD compares: Non-Finnish European, 0.00046%; no homozygotes.

Submission:

Laboratorio de Genetica e Diagnostico Molecular, Hospital Israelita Albert Einstein
Classification: Uncertain significance for Methylmalonic acidemia with homocystinuria, type cblX. Last evaluated: 2025-05-15. Review status: criteria provided, single submitter. Criteria: ACMG Guidelines, 2015. Collection method: clinical testing. Allele origin: germline. Affected: yes.
Comment: ACMG classification criteria: PM2 supporting, PP2 supporting, BP4 supporting